The following is an entry in ClinVar:

NC_000023.10:g.(?_31187540)_(31222255_?)dup

Gene: DMD (dystrophin; minus strand). Cytogenetic location: Xp21.2.
Variant type: Duplication.
Identifiers: ClinVar variation 3243360 (VCV003243360.1).

ClinVar aggregate classification (germline): Likely pathogenic (1 of 4 stars; one submission).

Conditions:
Duchenne muscular dystrophy (DMD). Also called: MUSCULAR DYSTROPHY, PSEUDOHYPERTROPHIC PROGRESSIVE, DUCHENNE TYPE; Duchenne Muscular Dystrophy (DMD). Identifiers: Orphanet 98896, MedGen C0013264, MONDO:0010679, OMIM 310200.

Submission:

Labcorp Genetics (formerly Invitae), Labcorp
Classification: Likely pathogenic for Duchenne muscular dystrophy. Last evaluated: 2023-09-22. Review status: criteria provided, single submitter. Criteria: Invitae Variant Classification Sherloc (09022015). Collection method: clinical testing. Allele origin: unknown.
Comment: This variant results in a copy number gain of the genomic region encompassing exon(s) 67-74 of the DMD gene. While the exact position of this variant cannot be determined from the data, sub-genic copy number gains are generally in tandem (PMID: 25640679). This variant is predicted to be out-of-frame, and may result in an absent or disrupted protein product. Loss-of-function variants in DMD are known to be pathogenic (PMID: 16770791, 25007885). This variant has not been reported in the literature in individuals affected with DMD-related conditions. In summary, the currently available evidence indicates that the variant is pathogenic, but additional data are needed to prove that conclusively. Therefore, this variant has been classified as Likely Pathogenic.

Literature cited by the submitters: PubMed 25640679; PubMed 16770791; PubMed 25007885.